The following is an entry in ClinVar:

ClinVar aggregate classification (germline): Likely pathogenic (1 of 4 stars; one submission).

Conditions:
Congenital hyperammonemia, type I. Also called: Carbamoyl phosphate synthetase I deficiency disease; Carbamoyl-phosphate synthase I deficiency; CPS I DEFICIENCY; Carbamoyl phosphate synthetase 1 deficiency; Hyperammonemia due to carbamoyl phosphate synthetase 1 deficiency; CPS 1 deficiency. Identifiers: Orphanet 147, MedGen C4082171, MONDO:0009376, OMIM 237300.

Allele frequency attached by ClinVar (database versions not stated): gnomAD exomes below 0.00001.
gnomAD v4.1: 1 of 1,611,444 alleles (0.000062%); highest among the groups gnomAD compares: African/African-American, 0.0013%; no homozygotes.

Submission:

Labcorp Genetics (formerly Invitae), Labcorp
Classification: Likely pathogenic for Congenital hyperammonemia, type I. Last evaluated: 2022-10-16. Review status: criteria provided, single submitter. Criteria: Invitae Variant Classification Sherloc (09022015). Collection method: clinical testing. Allele origin: germline.
Comment: This sequence change affects an acceptor splice site in intron 1 of the CPS1 gene. It is expected to disrupt RNA splicing. Variants that disrupt the donor or acceptor splice site typically lead to a loss of protein function (PMID: 16199547), and loss-of-function variants in CPS1 are known to be pathogenic (PMID: 21120950). This variant is not present in population databases (gnomAD no frequency). This variant has not been reported in the literature in individuals affected with CPS1-related conditions. Algorithms developed to predict the effect of sequence changes on RNA splicing suggest that this variant may disrupt the consensus splice site. In summary, the currently available evidence indicates that the variant is pathogenic, but additional data are needed to prove that conclusively. Therefore, this variant has been classified as Likely Pathogenic.

Literature cited by the submitters: PubMed 16199547; PubMed 21120950.

NM_001875.5(CPS1):c.127-2A>G

Gene: CPS1 (carbamoyl-phosphate synthase 1; plus strand). Cytogenetic location: 2q34.
Variant type: single nucleotide variant.
Coding change: c.127-2A>G on transcript NM_001875.5 (MANE Select); the canonical splice acceptor site of the intron before coding-DNA position 127, A replaced by G.
Molecular consequence: splice acceptor variant.
Genome position (GRCh38, 1-based): chr2:210,573,296, A>G. VCF-style: chr2-210573296-A-G. GRCh37 (hg19) VCF-style: chr2-211438020-A-G.
Other names: c.127-2A>G (NM_001369257.1, NM_001122633.3); c.160-2A>G (NM_001369256.1).
Identifiers: ClinVar variation 1928163 (VCV001928163.2), dbSNP rs2469077866, ClinGen allele CA350421416.